The following is an entry in ClinVar:

NM_002470.4(MYH3):c.2682+4C>T

Gene: MYH3 (myosin heavy chain 3; minus strand). Cytogenetic location: 17p13.1.
Variant type: single nucleotide variant.
Coding change: c.2682+4C>T on transcript NM_002470.4 (MANE Select); 4 bases into the intron after coding-DNA position 2682, C replaced by T.
Molecular consequence: intron variant.
Genome position (GRCh38, 1-based): chr17:10,639,992, G>A on the plus strand (C>T on the coding strand, the complement: MYH3 is on the minus strand). VCF-style: chr17-10639992-G-A. GRCh37 (hg19) VCF-style: chr17-10543309-G-A.
Identifiers: ClinVar variation 4810947 (VCV004810947.1).

ClinVar aggregate classification (germline): Uncertain significance (1 of 4 stars; one submission).

gnomAD v4.1: 35 of 1,612,292 alleles (0.0022%); highest among the groups gnomAD compares: East Asian, 0.027%; no homozygotes.

Submission:

Labcorp Genetics (formerly Invitae), Labcorp
Classification: Uncertain significance. Last evaluated: 2025-08-18. Review status: criteria provided, single submitter. Criteria: Invitae Variant Classification Sherloc (09022015). Collection method: clinical testing. Allele origin: germline.
Comment: This sequence change falls in intron 22 of the MYH3 gene. It does not directly change the encoded amino acid sequence of the MYH3 protein. It affects a nucleotide within the consensus splice site. The frequency data for this variant in the population databases is considered unreliable, as metrics indicate poor data quality at this position in the gnomAD database. This variant has not been reported in the literature in individuals affected with MYH3-related conditions. Variants that disrupt the consensus splice site are a relatively common cause of aberrant splicing (PMID: 17576681, 9536098). Algorithms developed to predict the effect of sequence changes on RNA splicing suggest that this variant is not likely to affect RNA splicing. In summary, the available evidence is currently insufficient to determine the role of this variant in disease. Therefore, it has been classified as a Variant of Uncertain Significance.

Literature cited by the submitters: PubMed 17576681; PubMed 9536098.